The following is an entry in ClinVar:

NM_002303.6(LEPR):c.3387C>T (p.Asn1129=)

Gene: LEPR (leptin receptor; plus strand). Cytogenetic location: 1p31.3.
Variant type: single nucleotide variant.
Coding change: c.3387C>T on transcript NM_002303.6 (MANE Select); coding-DNA position 3387, C replaced by T.
Protein change: p.Asn1129=; no amino-acid change (asparagine 1129 retained).
Molecular consequence: synonymous variant.
Genome position (GRCh38, 1-based): chr1:65,636,904, C>T. VCF-style: chr1-65636904-C-T. GRCh37 (hg19) VCF-style: chr1-66102587-C-T.
Identifiers: ClinVar variation 3036995 (VCV003036995.3), dbSNP rs759716825, ClinGen allele CA895260.

ClinVar aggregate classification (germline): Likely benign. Review status: criteria provided, single submitter (1 of 4 stars). 2 submissions from 2 submitters: Likely benign (1). 1 of the submissions does not count toward it. Last evaluated 2025-04-28.

Conditions:
LEPR-related disorder. Also called: LEPR-related condition; LEPR-related disorders.

Allele frequency attached by ClinVar (database versions not stated): gnomAD 0.00001; ExAC 0.00002; TOPMed 0.00002; gnomAD exomes 0.00004.
gnomAD v4.1: 62 of 1,606,732 alleles (0.0039%); highest among the groups gnomAD compares: Non-Finnish European, 0.0047%; no homozygotes.

Submissions (2):

Labcorp Genetics (formerly Invitae), Labcorp
Classification: Likely benign. Last evaluated: 2025-04-28. Review status: criteria provided, single submitter. Criteria: Invitae Variant Classification Sherloc (09022015). Collection method: clinical testing. Allele origin: germline.

PreventionGenetics, part of Exact Sciences
Classification: Likely benign for LEPR-related condition. Last evaluated: 2022-08-31. Review status: no assertion criteria provided. Collection method: clinical testing. Allele origin: germline. Not counted in ClinVar's aggregate classification.
Comment: This variant is classified as likely benign based on ACMG/AMP sequence variant interpretation guidelines (Richards et al. 2015 PMID: 25741868, with internal and published modifications).